The following is an entry in ClinVar:

NM_000090.4(COL3A1):c.3121G>C (p.Gly1041Arg)

Gene: COL3A1 (collagen type III alpha 1 chain; plus strand). Cytogenetic location: 2q32.2.
Variant type: single nucleotide variant.
Coding change: c.3121G>C on transcript NM_000090.4 (MANE Select); coding-DNA position 3121, G replaced by C.
Protein change: p.Gly1041Arg; replaces glycine 1041 with arginine.
Molecular consequence: missense variant.
Genome position (GRCh38, 1-based): chr2:189,006,372, G>C. VCF-style: chr2-189006372-G-C. GRCh37 (hg19) VCF-style: chr2-189871098-G-C.
Other names: short protein forms G1041R.
Identifiers: ClinVar variation 846467 (VCV000846467.11), dbSNP rs1688586251, ClinGen allele CA349845061.

ClinVar aggregate classification (germline): Likely pathogenic. Review status: criteria provided, multiple submitters, no conflicts (2 of 4 stars). 2 submissions from 2 submitters: Likely pathogenic (2). Last evaluated 2024-05-07.

Conditions:
Familial aortopathy. Identifiers: MedGen CN078214.
Ehlers-Danlos syndrome, type 4 (EDSVASC). Also called: Ehlers-Danlos Syndrome Type IV; Ehlers-Danlos syndrome vascular type; Ehlers Danlos syndrome, ecchymotic type; Ehlers Danlos syndrome, arterial type; Ehlers Danlos syndrome, Sack-Barabas type. Identifiers: Orphanet 286, MedGen C0268338, MONDO:0017314, OMIM 130050.

Submissions (2):

Women's Health and Genetics/Laboratory Corporation of America, LabCorp
Classification: Likely pathogenic for Familial aortopathy. Last evaluated: 2024-05-07. Review status: criteria provided, single submitter. Criteria: LabCorp Variant Classification Summary - May 2015. Collection method: clinical testing. Allele origin: germline.
Comment: Variant summary: COL3A1 c.3121G>C (p.Gly1041Arg) results in a non-conservative amino acid change located in the Triple-helical region of the encoded protein sequence. This missense variant disrupts a critical glycine residue at position 1 of a Gly-X-Y repeat in the collagenous domain of the collagen III alpha 1 chain, and variants affecting these glycine residues are significantly enriched in individuals with disease (PMID: 24922459). Five of five in-silico tools predict a damaging effect of the variant on protein function. The variant was absent in 251388 control chromosomes. To our knowledge, no occurrence of c.3121G>C in individuals affected with Aortopathy and no experimental evidence demonstrating its impact on protein function have been reported. ClinVar contains an entry for this variant (Variation ID: 846467). Based on the evidence outlined above, the variant was classified as likely pathogenic.

Labcorp Genetics (formerly Invitae), Labcorp
Classification: Likely pathogenic for Ehlers-Danlos syndrome, type 4. Last evaluated: 2021-12-23. Review status: criteria provided, single submitter. Criteria: Invitae Variant Classification Sherloc (09022015). Collection method: clinical testing. Allele origin: germline.
Comment: In summary, the currently available evidence indicates that the variant is pathogenic, but additional data are needed to prove that conclusively. Therefore, this variant has been classified as Likely Pathogenic. This variant disrupts the p.Gly1041 amino acid residue in COL3A1. Other variant(s) that disrupt this residue have been observed in individuals with COL3A1-related conditions (PMID: 25758994), which suggests that this may be a clinically significant amino acid residue. This variant disrupts the triple helix domain of COL3A1. Glycine residues within the Gly-Xaa-Yaa repeats of the triple helix domain are required for the structure and stability of fibrillar collagens (PMID: 7695699, 8218237, 19344236). In COL3A1, variants that affect these glycine residues are significantly enriched in individuals with disease (PMID: 24922459, 25758994) compared to the general population (ExAC). Advanced modeling of protein sequence and biophysical properties (such as structural, functional, and spatial information, amino acid conservation, physicochemical variation, residue mobility, and thermodynamic stability) performed at Invitae indicates that this missense variant is expected to disrupt COL3A1 protein function. ClinVar contains an entry for this variant (Variation ID: 846467). This missense change has been observed in individual(s) with clinical features of vascular Ehlers-Danlos syndrome (Invitae). This variant is not present in population databases (gnomAD no frequency). This sequence change replaces glycine, which is neutral and non-polar, with arginine, which is basic and polar, at codon 1041 of the COL3A1 protein (p.Gly1041Arg).

Literature cited by the submitters: PubMed 25758994 (cited by Labcorp Genetics (formerly Invitae), Labcorp); PubMed 7695699 (cited by Labcorp Genetics (formerly Invitae), Labcorp); PubMed 8218237 (cited by Labcorp Genetics (formerly Invitae), Labcorp); PubMed 19344236 (cited by Labcorp Genetics (formerly Invitae), Labcorp); PubMed 24922459 (cited by Labcorp Genetics (formerly Invitae), Labcorp).